The following is an entry in ClinVar:

NM_000173.7(GP1BA):c.1774del (p.Arg592fs)

Genes: GP1BA (glycoprotein Ib platelet subunit alpha; plus strand), LOC130060044 (ATAC-STARR-seq lymphoblastoid active region 11554; plus strand). Cytogenetic location: 17p13.2.
Variant type: Deletion.
Coding change: c.1774del on transcript NM_000173.7 (MANE Select); coding-DNA position 1774, one base deleted (C; older notation c.1774delC).
Protein change: p.Arg592fs; shifts the reading frame from arginine 592.
Molecular consequence: frameshift variant.
Genome position (GRCh38, 1-based): chr17:4,934,378, C deleted; the last of 4 consecutive C bases (chr17:4,934,375-4,934,378); deleting any one gives the same sequence. VCF-style (leftmost placement, unchanged base first): chr17-4934374-GC-G. GRCh37 (hg19) VCF-style: chr17-4837669-GC-G.
Other names: p.Arg592Glyfs*31; short protein forms R592fs.
Identifiers: ClinVar variation 4542116 (VCV004542116.1).

ClinVar aggregate classification (germline): Uncertain significance (1 of 4 stars; one submission).

Submission:

Mayo Clinic Laboratories, Mayo Clinic
Classification: Uncertain significance. Last evaluated: 2025-01-31. Review status: criteria provided, single submitter. Criteria: ACMG Guidelines, 2015. Collection method: clinical testing. Allele origin: germline. Observed: 1 variant allele.
Comment: PM2_supporting, PVS1_moderate